The following is an entry in ClinVar:

NM_201384.3(PLEC):c.4868_4888dup (p.Arg1629_Glu1630insAlaArgGluGluAlaGluArg)

Gene: PLEC (plectin; minus strand). Cytogenetic location: 8q24.3.
Variant type: Duplication.
Coding change: c.4868_4888dup on transcript NM_201384.3 (MANE Select); coding-DNA positions 4868 to 4888, 21 bases duplicated (CGCGCGAGGAGGCAGAGCGGG).
Protein change: p.Arg1629_Glu1630insAlaArgGluGluAlaGluArg.
Molecular consequence: inframe insertion.
Genome position (GRCh38, 1-based): chr8:143,925,041-143,925,061, CCCGCTCTGCCTCCTCGCGCG duplicated on the plus strand (CGCGCGAGGAGGCAGAGCGGG on the coding strand, the reverse complement: PLEC is on the minus strand); duplicating any 21 consecutive bases within chr8:143,925,041-143,925,068 gives the same sequence; the c. name uses the placement nearest the transcript's 3' end. VCF-style (leftmost placement, unchanged base first): chr8-143925040-T-TCCCGCTCTGCCTCCTCGCGCG. GRCh37 (hg19) VCF-style: chr8-144999208-T-TCCCGCTCTGCCTCCTCGCGCG.
Other names: c.4802_4822dup, p.Arg1607_Glu1608insAlaArgGluGluAlaGluArg (NM_201379.3); c.5279_5299dup, p.Arg1766_Glu1767insAlaArgGluGluAlaGluArg (NM_201380.4); c.4772_4792dup, p.Arg1597_Glu1598insAlaArgGluGluAlaGluArg (NM_201381.3); c.4868_4888dup, p.Arg1629_Glu1630insAlaArgGluGluAlaGluArg (NM_201382.4); c.4880_4900dup, p.Arg1633_Glu1634insAlaArgGluGluAlaGluArg (NM_201383.3); c.4949_4969dup, p.Arg1656_Glu1657insAlaArgGluGluAlaGluArg (NM_000445.5); c.4826_4846dup, p.Arg1615_Glu1616insAlaArgGluGluAlaGluArg (NM_201378.4).
Identifiers: ClinVar variation 2435023 (VCV002435023.4), dbSNP rs1436911149, ClinGen allele CA2580078690.

ClinVar aggregate classification (germline): Uncertain significance. Review status: criteria provided, multiple submitters, no conflicts (2 of 4 stars). 2 submissions from 2 submitters: Uncertain significance (2). Last evaluated 2026-02-18.

Conditions:
Fetal anomalies with a likely genetic cause.

Submissions (2):

Genetics Laboratory, Great Ormond Street Hospital NHS Foundation Trust, North Thames Genomic Laboratory Hub
Classification: Uncertain significance for Fetal anomalies with a likely genetic cause. Last evaluated: 2026-02-18. Review status: criteria provided, single submitter. Criteria: ACGS Best Practice Guidelines for Variant Classification in Rare Disease 2024 v1.2. Collection method: clinical testing. Allele origin: germline. Affected: yes.
Comment: PM2_moderate, PM4_moderate

Revvity Omics, Revvity
Classification: Uncertain significance. Last evaluated: 2022-12-13. Review status: criteria provided, single submitter. Criteria: ACMG Guidelines, 2015. Collection method: clinical testing. Allele origin: germline.